The following is an entry in ClinVar:

ClinVar aggregate classification (germline): Uncertain significance (1 of 4 stars; one submission).

Allele frequency attached by ClinVar (database versions not stated): gnomAD exomes below 0.00001.
gnomAD v4.1: 1 of 1,613,726 alleles (0.000062%); highest among the groups gnomAD compares: Non-Finnish European, 0.000085%; no homozygotes.

Submission:

GeneDx
Classification: Uncertain significance. Last evaluated: 2023-01-17. Review status: criteria provided, single submitter. Criteria: GeneDx Variant Classification Process June 2021. Collection method: clinical testing. Allele origin: germline. Affected: yes.
Comment: Not observed at significant frequency in large population cohorts (gnomAD); In silico analysis supports that this missense variant does not alter protein structure/function; Has not been previously published as pathogenic or benign to our knowledge

NM_006445.4(PRPF8):c.3049A>G (p.Ile1017Val)

Gene: PRPF8 (pre-mRNA processing factor 8; minus strand). Cytogenetic location: 17p13.3.
Variant type: single nucleotide variant.
Coding change: c.3049A>G on transcript NM_006445.4 (MANE Select); coding-DNA position 3049, A replaced by G.
Protein change: p.Ile1017Val; replaces isoleucine 1017 with valine.
Molecular consequence: missense variant.
Genome position (GRCh38, 1-based): chr17:1,675,163, T>C on the plus strand (A>G on the coding strand, the complement: PRPF8 is on the minus strand). VCF-style: chr17-1675163-T-C. GRCh37 (hg19) VCF-style: chr17-1578457-T-C.
Other names: short protein forms I1017V.
Identifiers: ClinVar variation 2572680 (VCV002572680.1), dbSNP rs2543765007, ClinGen allele CA397543898.
Genomic context (GRCh38, chr17:1,675,163, plus strand): 5'-CAGACAAGCACTCCACACACAATTCCATGCTACTGCGCCTGAGACGCACCTTATAGTTGA[T>C]GACGACGTTGTTCTTGGCTGTCATGTAGTCGGCTATGTTGTGGTCCACGATGAGGCGCAG-3'
Protein context (NP_006436.3, residues 1007-1027): DYMTAKNNVV[Ile1017Val]NYKDMNHTNS